The following is an entry in ClinVar:

NM_014014.5(SNRNP200):c.3584G>C (p.Arg1195Pro)

Gene: SNRNP200 (small nuclear ribonucleoprotein U5 subunit 200; minus strand). Cytogenetic location: 2q11.2.
Variant type: single nucleotide variant.
Coding change: c.3584G>C on transcript NM_014014.5 (MANE Select); coding-DNA position 3584, G replaced by C.
Protein change: p.Arg1195Pro; replaces arginine 1195 with proline.
Molecular consequence: missense variant.
Genome position (GRCh38, 1-based): chr2:96,287,061, C>G on the plus strand (G>C on the coding strand, the complement: SNRNP200 is on the minus strand). VCF-style: chr2-96287061-C-G. GRCh37 (hg19) VCF-style: chr2-96952799-C-G.
Other names: short protein forms R1195P.
Identifiers: ClinVar variation 1469783 (VCV001469783.8), dbSNP rs2104344895, ClinGen allele CA347672165.
Genomic context (GRCh38, chr2:96,287,061, plus strand): 5'-CTCACCTTTTCATCCCACTGGAAGTCTGGCGTGATGGTCAGCTCCACCTTCAGGGTGGAG[C>G]GTGTGATAGGCTGCAGGTGCACTGACAACTCCAACTTGGGAAACAGATGGACATATTTGT-3'
Protein context (NP_054733.2, residues 1185-1205): ELSVHLQPIT[Arg1195Pro]STLKVELTIT

ClinVar aggregate classification (germline): Uncertain significance (1 of 4 stars; one submission).

Submission:

Labcorp Genetics (formerly Invitae), Labcorp
Classification: Uncertain significance. Last evaluated: 2024-06-24. Review status: criteria provided, single submitter. Criteria: Invitae Variant Classification Sherloc (09022015). Collection method: clinical testing. Allele origin: germline.
Comment: This sequence change replaces arginine, which is basic and polar, with proline, which is neutral and non-polar, at codon 1195 of the SNRNP200 protein (p.Arg1195Pro). This variant is not present in population databases (gnomAD no frequency). This variant has not been reported in the literature in individuals affected with SNRNP200-related conditions. ClinVar contains an entry for this variant (Variation ID: 1469783). Advanced modeling of protein sequence and biophysical properties (such as structural, functional, and spatial information, amino acid conservation, physicochemical variation, residue mobility, and thermodynamic stability) performed at Invitae indicates that this missense variant is expected to disrupt SNRNP200 protein function with a positive predictive value of 80%. In summary, the available evidence is currently insufficient to determine the role of this variant in disease. Therefore, it has been classified as a Variant of Uncertain Significance.